The following is an entry in ClinVar:

ClinVar aggregate classification (germline): Likely benign (0 of 4 stars; one submission).

Conditions:
DZIP1L-related disorder. Also called: DZIP1L-related condition.

gnomAD v4.1: 19 of 1,547,038 alleles (0.0012%); highest among the groups gnomAD compares: Non-Finnish European, 0.0017%; no homozygotes.

Submission:

PreventionGenetics, part of Exact Sciences
Classification: Likely benign for DZIP1L-related condition. Last evaluated: 2021-02-03. Review status: no assertion criteria provided. Collection method: clinical testing. Allele origin: germline.
Comment: This variant is classified as likely benign based on ACMG/AMP sequence variant interpretation guidelines (Richards et al. 2015 PMID: 25741868, with internal and published modifications).

NM_173543.3(DZIP1L):c.1836G>T (p.Thr612=)

Gene: DZIP1L (DAZ interacting zinc finger protein 1 like; minus strand). Cytogenetic location: 3q22.3.
Variant type: single nucleotide variant.
Coding change: c.1836G>T on transcript NM_173543.3 (MANE Select); coding-DNA position 1836, G replaced by T.
Protein change: p.Thr612=; no amino-acid change (threonine 612 retained).
Molecular consequence: synonymous variant.
Genome position (GRCh38, 1-based): chr3:138,067,697, C>A on the plus strand (G>T on the coding strand, the complement: DZIP1L is on the minus strand). VCF-style: chr3-138067697-C-A. GRCh37 (hg19) VCF-style: chr3-137786539-C-A.
Identifiers: ClinVar variation 3054762 (VCV003054762.2), dbSNP rs563575368, ClinGen allele CA435846910.